The following is an entry in ClinVar:

ClinVar aggregate classification (germline): Uncertain significance (1 of 4 stars; one submission).

Allele frequency attached by ClinVar (database versions not stated): gnomAD exomes below 0.00001.
gnomAD v4.1: 3 of 1,614,162 alleles (0.00019%); highest among the groups gnomAD compares: Non-Finnish European, 0.00017%; no homozygotes.

Submission:

Labcorp Genetics (formerly Invitae), Labcorp
Classification: Uncertain significance. Last evaluated: 2022-06-20. Review status: criteria provided, single submitter. Criteria: Invitae Variant Classification Sherloc (09022015). Collection method: clinical testing. Allele origin: germline.
Comment: This sequence change replaces glycine, which is neutral and non-polar, with alanine, which is neutral and non-polar, at codon 999 of the LRP2 protein (p.Gly999Ala). This variant is not present in population databases (gnomAD no frequency). This variant has not been reported in the literature in individuals affected with LRP2-related conditions. Algorithms developed to predict the effect of missense changes on protein structure and function (SIFT, PolyPhen-2, Align-GVGD) all suggest that this variant is likely to be tolerated. In summary, the available evidence is currently insufficient to determine the role of this variant in disease. Therefore, it has been classified as a Variant of Uncertain Significance.

NM_004525.3(LRP2):c.2996G>C (p.Gly999Ala)

Gene: LRP2 (LDL receptor related protein 2; minus strand). Cytogenetic location: 2q31.1.
Variant type: single nucleotide variant.
Coding change: c.2996G>C on transcript NM_004525.3 (MANE Select); coding-DNA position 2996, G replaced by C.
Protein change: p.Gly999Ala; replaces glycine 999 with alanine.
Molecular consequence: missense variant.
Genome position (GRCh38, 1-based): chr2:169,246,899, C>G on the plus strand (G>C on the coding strand, the complement: LRP2 is on the minus strand). VCF-style: chr2-169246899-C-G. GRCh37 (hg19) VCF-style: chr2-170103409-C-G.
Other names: short protein forms G999A.
Identifiers: ClinVar variation 2049204 (VCV002049204.1), dbSNP rs2528398262, ClinGen allele CA349153431.
Genomic context (GRCh38, chr2:169,246,899, plus strand): 5'-TTGGTTGGGTCCCCCTCGCATGTCAAGTGATTGGAAGCCAGCCTCATTCCATAAGGGCAC[C>G]CACACACTCGCTGGAAATTTGGCACCGGGAAGCAGAAGTGGCTGCAGTCACCGTTAGGAT-3'
Protein context (NP_004516.2, residues 989-1009): FPVPNFQRVC[Gly999Ala]CPYGMRLASN